The following is an entry in ClinVar:

ClinVar aggregate classification (germline): Benign/Likely benign. Review status: criteria provided, single submitter (1 of 4 stars). 2 submissions from 1 submitter: Benign (1); Likely benign (1). Last evaluated 2018-01-13.

Conditions:
Gonadotropin-independent familial sexual precocity. Also called: TESTOTOXICOSIS, FAMILIAL; Familial male-limited precocious puberty. Identifiers: Orphanet 3000, MedGen C0342549, MONDO:0008303, OMIM 176410.
Leydig cell agenesis. Also called: LEYDIG CELL HYPOPLASIA WITH MALE PSEUDOHERMAPHRODITISM; LEYDIG CELL HYPOPLASIA, COMPLETE; HYPERGONADOTROPIC HYPOGONADISM, MALE, DUE TO LHCGR DEFECT; Leydig cell hypoplasia, type 1. Identifiers: MedGen C0266432, MONDO:0009384, OMIM 238320.

Allele frequency attached by ClinVar (database versions not stated): 1000 Genomes Project 30x 0.00094; 1000 Genomes Project 0.00100; gnomAD 0.00191 and 0.00194; TOPMed 0.00212; gnomAD exomes 0.00220.
gnomAD v4.1: 303 of 158,438 alleles (0.19%); highest among the groups gnomAD compares: Middle Eastern, 0.33%; 1 homozygote.

Submissions (2):

Illumina Laboratory Services, Illumina
Classification: Benign for Gonadotropin-independent familial sexual precocity. Last evaluated: 2018-01-13. Review status: criteria provided, single submitter. Criteria: ICSL Variant Classification Criteria 13 December 2019. Collection method: clinical testing. Allele origin: germline.
Comment: This variant was observed in the ICSL laboratory as part of a predisposition screen in an ostensibly healthy population. It had not been previously curated by ICSL or reported in the Human Gene Mutation Database (HGMD: prior to June 1st, 2018), and was therefore a candidate for classification through an automated scoring system. Utilizing variant allele frequency, disease prevalence and penetrance estimates, and inheritance mode, an automated score was calculated to assess if this variant is too frequent to cause the disease. Based on the score and internal cut-off values, a variant classified as benign is not then subjected to further curation. The score for this variant resulted in a classification of benign for this disease.

Illumina Laboratory Services, Illumina
Classification: Likely benign for Leydig cell agenesis. Last evaluated: 2018-01-13. Review status: criteria provided, single submitter. Criteria: ICSL Variant Classification Criteria 13 December 2019. Collection method: clinical testing. Allele origin: germline.
Comment: This variant was observed in the ICSL laboratory as part of a predisposition screen in an ostensibly healthy population. It had not been previously curated by ICSL or reported in the Human Gene Mutation Database (HGMD: prior to June 1st, 2018), and was therefore a candidate for classification through an automated scoring system. Utilizing variant allele frequency, disease prevalence and penetrance estimates, and inheritance mode, an automated score was calculated to assess if this variant is too frequent to cause the disease. Based on the score and internal cut-off values, a variant classified as likely benign is not then subjected to further curation. The score for this variant resulted in a classification of likely benign for this disease.

NM_000233.4(LHCGR):c.*535G>A

Genes: LHCGR (luteinizing hormone/choriogonadotropin receptor; minus strand), STON1-GTF2A1L (STON1-GTF2A1L readthrough; plus strand). Cytogenetic location: 2p16.3.
Variant type: single nucleotide variant.
Coding change: c.*535G>A on transcript NM_000233.4 (MANE Select); 535 bases downstream of the stop codon, G replaced by A.
Molecular consequence: 3 prime UTR variant. On other transcripts: intron variant (1).
Genome position (GRCh38, 1-based): chr2:48,687,162, C>T on the plus strand (G>A on the coding strand, the complement: LHCGR is on the minus strand). VCF-style: chr2-48687162-C-T. GRCh37 (hg19) VCF-style: chr2-48914301-C-T.
Other names: c.3441+15482C>T (NM_001198593.2).
Identifiers: ClinVar variation 336447 (VCV000336447.6), dbSNP rs534109670, ClinGen allele CA10615765.
Genomic context (GRCh38, chr2:48,687,162, plus strand): 5'-TTCTGTGGTGATGAAAATATTCTGTGTCTGTGCTGTCCAGTATGGTAAGCACTAGTCACA[C>T]GTAGCCATTGAGAACTTGAAACGTGGCTAGTGCAACTGAGAAACTACATTTCTCATTTTA-3'